The following is an entry in ClinVar:

NM_001368894.2(PAX6):c.1081G>A (p.Val361Ile)

Gene: PAX6 (paired box 6; minus strand). Cytogenetic location: 11p13.
Variant type: single nucleotide variant.
Coding change: c.1081G>A on transcript NM_001368894.2 (MANE Select); coding-DNA position 1081, G replaced by A.
Protein change: p.Val361Ile; replaces valine 361 with isoleucine.
Molecular consequence: missense variant. On other transcripts: non-coding transcript variant (1), intron variant (9).
Genome position (GRCh38, 1-based): chr11:31,790,854, C>T on the plus strand (G>A on the coding strand, the complement: PAX6 is on the minus strand). VCF-style: chr11-31790854-C-T. GRCh37 (hg19) VCF-style: chr11-31812402-C-T.
Other names: c.1039G>A, p.Val347Ile (NM_000280.6, NM_001127612.3, NM_001258464.2 and 6 more transcripts); c.1081G>A, p.Val361Ile (NM_001258462.3, NM_001258463.2, NM_001310158.2 and 3 more transcripts); c.631G>A, p.Val211Ile (NM_001310160.2, NM_001310161.3, NM_001368899.2 and 10 more transcripts); c.1282G>A, p.Val428Ile (NM_001368910.2); c.1156G>A, p.Val386Ile (NM_001368918.2, NM_001368919.2); c.1114G>A, p.Val372Ile (NM_001368920.2); c.880G>A, p.Val294Ile (NM_001368922.2, NM_001368923.2, NM_001368924.2 and 3 more transcripts); c.838G>A, p.Val280Ile (NM_001368928.2); and 6 more; short protein forms V294I, V372I, V211I, V280I, V347I, V361I, V428I, V146I.
Identifiers: ClinVar variation 1365672 (VCV001365672.8), dbSNP rs1346292898, ClinGen allele CA379967574.

ClinVar aggregate classification (germline): Uncertain significance (1 of 4 stars; one submission).

Conditions:
Aniridia 1 (AN1). Identifiers: Orphanet 250923, MedGen C0344542, MONDO:0024507, OMIM 106210.
Irido-corneo-trabecular dysgenesis (ASGD5). Also called: ANTERIOR SEGMENT DYSGENESIS 5. Identifiers: Orphanet 708, MedGen C0344559, MONDO:0011414, OMIM 604229, HP:0000659.

Allele frequency attached by ClinVar (database versions not stated): gnomAD exomes below 0.00001; TOPMed below 0.00001.

Submission:

Labcorp Genetics (formerly Invitae), Labcorp
Classification: Uncertain significance for Aniridia 1; Irido-corneo-trabecular dysgenesis. Last evaluated: 2025-01-13. Review status: criteria provided, single submitter. Criteria: Invitae Variant Classification Sherloc (09022015). Collection method: clinical testing. Allele origin: germline.
Comment: This sequence change replaces valine, which is neutral and non-polar, with isoleucine, which is neutral and non-polar, at codon 347 of the PAX6 protein (p.Val347Ile). This variant is present in population databases (no rsID available, gnomAD 0.003%). This variant has not been reported in the literature in individuals affected with PAX6-related conditions. ClinVar contains an entry for this variant (Variation ID: 1365672). Invitae Evidence Modeling of protein sequence and biophysical properties (such as structural, functional, and spatial information, amino acid conservation, physicochemical variation, residue mobility, and thermodynamic stability) indicates that this missense variant is not expected to disrupt PAX6 protein function with a negative predictive value of 80%. In summary, the available evidence is currently insufficient to determine the role of this variant in disease. Therefore, it has been classified as a Variant of Uncertain Significance.